The following is an entry in ClinVar:

NM_006031.6(PCNT):c.4915A>G (p.Ile1639Val)

Gene: PCNT (pericentrin; plus strand). Cytogenetic location: 21q22.3.
Variant type: single nucleotide variant.
Coding change: c.4915A>G on transcript NM_006031.6 (MANE Select); coding-DNA position 4915, A replaced by G.
Protein change: p.Ile1639Val; replaces isoleucine 1639 with valine.
Molecular consequence: missense variant.
Genome position (GRCh38, 1-based): chr21:46,401,674, A>G. VCF-style: chr21-46401674-A-G. GRCh37 (hg19) VCF-style: chr21-47821588-A-G.
Other names: c.4561A>G, p.Ile1521Val (NM_001315529.2); short protein forms I1639V, I1521V.
Identifiers: ClinVar variation 159613 (VCV000159613.18), dbSNP rs6518291, ClinGen allele CA173018.

ClinVar aggregate classification (germline): Benign. Review status: criteria provided, multiple submitters, no conflicts (2 of 4 stars). 5 submissions from 5 submitters: Benign (5). Last evaluated 2026-02-04.

Conditions:
Microcephalic osteodysplastic primordial dwarfism type II (MOPD2). Also called: Microcephalic osteodysplastic primordial dwarfism with tooth abnormalities; MOPD II; OSTEODYSPLASTIC PRIMORDIAL DWARFISM, TYPE II. Identifiers: Orphanet 2637, MedGen C0432246, MONDO:0008872, OMIM 210720.

Allele frequency attached by ClinVar (database versions not stated): gnomAD exomes 0.21088 and 0.24152; ExAC 0.24942; gnomAD 0.30685 and 0.31129; 1000 Genomes Project 0.33466; 1000 Genomes Project 30x 0.34072; TOPMed 0.31163; ESP Exome Variant Server 0.31362.
gnomAD v4.1: 355,717 of 1,613,280 alleles (22%); highest among the groups gnomAD compares: African/African-American, 54%; 44,807 homozygotes.

Submissions (5):

Labcorp Genetics (formerly Invitae), Labcorp
Classification: Benign. Last evaluated: 2026-02-04. Review status: criteria provided, single submitter. Criteria: Invitae Variant Classification Sherloc (09022015). Collection method: clinical testing. Allele origin: germline.

Illumina Laboratory Services, Illumina
Classification: Benign for Microcephalic osteodysplastic primordial dwarfism type II. Last evaluated: 2018-01-13. Review status: criteria provided, single submitter. Criteria: ICSL Variant Classification Criteria 13 December 2019. Collection method: clinical testing. Allele origin: germline.
Comment: This variant was observed in the ICSL laboratory as part of a predisposition screen in an ostensibly healthy population. It had not been previously curated by ICSL or reported in the Human Gene Mutation Database (HGMD: prior to June 1st, 2018), and was therefore a candidate for classification through an automated scoring system. Utilizing variant allele frequency, disease prevalence and penetrance estimates, and inheritance mode, an automated score was calculated to assess if this variant is too frequent to cause the disease. Based on the score and internal cut-off values, a variant classified as benign is not then subjected to further curation. The score for this variant resulted in a classification of benign for this disease.

GeneDx
Classification: Benign. Last evaluated: 2015-03-03. Review status: criteria provided, single submitter. Criteria: GeneDx Variant Classification Process June 2021. Collection method: clinical testing. Allele origin: germline. Affected: yes.

Genetic Services Laboratory, University of Chicago
Classification: Benign. Last evaluated: 2013-02-08. Review status: criteria provided, single submitter. Criteria: ACMG Guidelines, 2007. Collection method: clinical testing. Allele origin: germline. Inheritance: Autosomal recessive inheritance.

Breakthrough Genomics
Classification: Benign. Review status: criteria provided, single submitter. Criteria: ACMG Guidelines, 2015. Collection method: not provided. Allele origin: germline. Inheritance: Autosomal recessive inheritance. Affected: yes.